The following is an entry in ClinVar:

NM_001005373.4(LRSAM1):c.1055G>T (p.Ser352Ile)

Gene: LRSAM1 (leucine rich repeat and sterile alpha motif containing 1; plus strand). Cytogenetic location: 9q33.3.
Variant type: single nucleotide variant.
Coding change: c.1055G>T on transcript NM_001005373.4 (MANE Select); coding-DNA position 1055, G replaced by T.
Protein change: p.Ser352Ile; replaces serine 352 with isoleucine.
Molecular consequence: missense variant. On other transcripts: non-coding transcript variant (2).
Genome position (GRCh38, 1-based): chr9:127,481,194, G>T. VCF-style: chr9-127481194-G-T. GRCh37 (hg19) VCF-style: chr9-130243473-G-T.
Other names: c.1055G>T, p.Ser352Ile (NM_001005374.4, NM_001190723.3, NM_001384142.1 and 2 more transcripts); c.266G>T, p.Ser89Ile (NM_001384144.1); short protein forms S352I, S89I.
Identifiers: ClinVar variation 1036726 (VCV001036726.11), dbSNP rs915109407, ClinGen allele CA374931887.
Genomic context (GRCh38, chr9:127,481,194, plus strand): 5'-AAACAGGCCTGCTGGTGACTGCCAGGACCTTTTATGATTTTCTCCACAGACAAAAGAAAA[G>T]CTCCGAGATTTTGAAATCGCTGGAAAATGAAAGGTAAGTGTTCTTCCAGGGGAGGGCAGC-3'
Protein context (NP_001005373.1, residues 342-362): LLQDNQRQKK[Ser352Ile]SEILKSLENE

ClinVar aggregate classification (germline): Uncertain significance. Review status: criteria provided, multiple submitters, no conflicts (2 of 4 stars). 2 submissions from 2 submitters: Uncertain significance (2). Last evaluated 2021-08-04.

Conditions:
Charcot-Marie-Tooth disease axonal type 2P. Also called: CHARCOT-MARIE-TOOTH DISEASE, AXONAL, TYPE 2G; CMT 2G; Charcot-Marie-Tooth Neuropathy Type 2G; CHARCOT-MARIE-TOOTH NEUROPATHY, TYPE 2P. Identifiers: Orphanet 300319, Orphanet 99941, MedGen C3280797, MONDO:0013753, OMIM 614436.
Inborn genetic diseases. Identifiers: MedGen C0950123, MeSH D030342.

Allele frequency attached by ClinVar (database versions not stated): gnomAD exomes below 0.00001.
gnomAD v4.1: 3 of 1,613,762 alleles (0.00019%); highest among the groups gnomAD compares: Non-Finnish European, 0.00025%; no homozygotes.

Submissions (2):

Ambry Genetics
Classification: Uncertain significance for Inborn genetic diseases. Last evaluated: 2021-08-04. Review status: criteria provided, single submitter. Criteria: Ambry Variant Classification Scheme 2023. Collection method: clinical testing. Allele origin: germline.
Comment: The p.S352I variant (also known as c.1055G>T), located in coding exon 13 of the LRSAM1 gene, results from a G to T substitution at nucleotide position 1055. The serine at codon 352 is replaced by isoleucine, an amino acid with dissimilar properties. This amino acid position is conserved. In addition, this alteration is predicted to be tolerated by in silico analysis. Since supporting evidence is limited at this time, the clinical significance of this alteration remains unclear.

Labcorp Genetics (formerly Invitae), Labcorp
Classification: Uncertain significance for Charcot-Marie-Tooth disease axonal type 2P. Last evaluated: 2020-02-02. Review status: criteria provided, single submitter. Criteria: Invitae Variant Classification Sherloc (09022015). Collection method: clinical testing. Allele origin: germline.
Comment: In summary, the available evidence is currently insufficient to determine the role of this variant in disease. Therefore, it has been classified as a Variant of Uncertain Significance. Algorithms developed to predict the effect of missense changes on protein structure and function are either unavailable or do not agree on the potential impact of this missense change (SIFT: "Deleterious"; PolyPhen-2: "Benign"; Align-GVGD: "Class C35"). This variant has not been reported in the literature in individuals with LRSAM1-related conditions. This variant is not present in population databases (ExAC no frequency). This sequence change replaces serine with isoleucine at codon 352 of the LRSAM1 protein (p.Ser352Ile). The serine residue is highly conserved and there is a large physicochemical difference between serine and isoleucine.